The following is an entry in ClinVar:

ClinVar aggregate classification (germline): Pathogenic. Review status: reviewed by expert panel (3 of 4 stars). 3 submissions from 3 submitters: Pathogenic (1). 2 of the submissions do not count toward it. Last evaluated 2016-10-18.

Conditions:
Hereditary breast ovarian cancer syndrome. Also called: Hereditary breast and ovarian cancer syndrome (HBOC); Breast and ovarian cancer; Hereditary breast and ovarian cancer syndrome; Hereditary breast and ovarian cancer; BRCA1- and BRCA2-Associated Hereditary Breast and Ovarian Cancer; Hereditary breast and/or ovarian cancer syndrome. Identifiers: Orphanet 145, MedGen C0677776, MeSH D061325, MONDO:0003582. Disease mechanism: loss of function.
Breast-ovarian cancer, familial, susceptibility to, 1 (BROVCA1). Also called: BRCA1 Hereditary Breast and Ovarian Cancer; OVARIAN CANCER, SUSCEPTIBILITY TO. Identifiers: Orphanet 145, MedGen C2676676, MONDO:0011450, OMIM 604370. Disease mechanism: loss of function.

Submissions (3):

Evidence-based Network for the Interpretation of Germline Mutant Alleles (ENIGMA)
Classification: Pathogenic for Breast-ovarian cancer, familial, susceptibility to, 1. Last evaluated: 2016-10-18. Review status: reviewed by expert panel. Criteria: ENIGMA BRCA1/2 Classification Criteria (2015). Collection method: curation. Allele origin: germline.
Comment: Variant allele predicted to encode a truncated non-functional protein.

Labcorp Genetics (formerly Invitae), Labcorp
Classification: Pathogenic for Hereditary breast ovarian cancer syndrome. Last evaluated: 2022-05-22. Review status: criteria provided, single submitter. Criteria: Invitae Variant Classification Sherloc (09022015). Collection method: clinical testing. Allele origin: germline. Not counted in ClinVar's aggregate classification.
Comment: This sequence change creates a premature translational stop signal (p.Ser1178Argfs*32) in the BRCA1 gene. It is expected to result in an absent or disrupted protein product. Loss-of-function variants in BRCA1 are known to be pathogenic (PMID: 20104584). This variant is not present in population databases (gnomAD no frequency). This variant has not been reported in the literature in individuals affected with BRCA1-related conditions. ClinVar contains an entry for this variant (Variation ID: 266381). For these reasons, this variant has been classified as Pathogenic.

Consortium of Investigators of Modifiers of BRCA1/2 (CIMBA), c/o University of Cambridge
Classification: Pathogenic for Breast-ovarian cancer, familial, susceptibility to, 1. Last evaluated: 2015-10-02. Review status: criteria provided, single submitter. Criteria: CIMBA Mutation Classification guidelines May 2016. Collection method: clinical testing. Allele origin: germline. Not counted in ClinVar's aggregate classification.

Literature cited by the submitters: PubMed 20104584 (cited by Labcorp Genetics (formerly Invitae), Labcorp).

NM_007294.4(BRCA1):c.3534del (p.Ser1178fs)

Genes: BRCA1 (BRCA1 DNA repair associated; minus strand), LOC126862571 (BRD4-independent group 4 enhancer GRCh37_chr17:41243136-41244335; plus strand). Cytogenetic location: 17q21.31.
Variant type: Deletion.
Coding change: c.3534del on transcript NM_007294.4 (MANE Select); coding-DNA position 3534, one base deleted (C; older notation c.3534delC).
Protein change: p.Ser1178fs; shifts the reading frame from serine 1178.
Molecular consequence: frameshift variant. On other transcripts: intron variant (135).
Genome position (GRCh38, 1-based): chr17:43,091,997, G deleted on the plus strand (C on the coding strand, the reverse complement: BRCA1 is on the minus strand). VCF-style (leftmost placement, unchanged base first): chr17-43091996-TG-T. GRCh37 (hg19) VCF-style: chr17-41244013-TG-T.
Other names: 3653delC - ter1209; c.785-965del (NM_001407992.1, NM_001408400.1, NM_001408392.1 and 13 more transcripts); c.665-965del (NM_001408440.1, NM_001408428.1, NM_001408441.1 and 12 more transcripts); c.671-965del (NM_001408418.1, NM_001408423.1, NM_001408420.1 and 2 more transcripts); c.788-965del (NM_001407981.1, NM_007298.4, NM_001407978.1 and 17 more transcripts); c.644-965del (NM_001408462.1, NM_001408470.1, NM_001408464.1 and 3 more transcripts); c.710-965del (NM_001408414.1, NM_001408411.1, NM_001408415.1 and 2 more transcripts); c.578-965del (NM_001408514.1, NM_001408485.1, NM_001408483.1 and 9 more transcripts); and 43 more; short protein forms S1178fs, S1131fs, S1111fs, S1151fs, S1152fs, S1177fs, S882fs, S1066fs.
Identifiers: ClinVar variation 266381 (VCV000266381.13), dbSNP rs886040140, ClinGen allele CA10589742.
Genomic context (GRCh38, chr17:43,091,996, plus strand): 5'-CCAAATGTGTATGGGTGAAAGGGCTAGGACTCCTGCTAAGCTCTCCTTTCTGGACGCTTT[TG>T]CTAAAAACAGCAGAACTTTCCTTAATGTCATTTTCAGCAAAACTAGTATCTTCCTTTATT-3'